The following is an entry in ClinVar:

NM_001144952.2(SDK2):c.5901G>C (p.Gly1967=)

Gene: SDK2 (sidekick cell adhesion molecule 2; minus strand). Cytogenetic location: 17q25.1.
Variant type: single nucleotide variant.
Coding change: c.5901G>C on transcript NM_001144952.2 (MANE Select); coding-DNA position 5901, G replaced by C.
Protein change: p.Gly1967=; no amino-acid change (glycine 1967 retained).
Molecular consequence: synonymous variant.
Genome position (GRCh38, 1-based): chr17:73,350,374, C>G on the plus strand (G>C on the coding strand, the complement: SDK2 is on the minus strand). VCF-style: chr17-73350374-C-G. GRCh37 (hg19) VCF-style: chr17-71346513-C-G.
Identifiers: ClinVar variation 3045799 (VCV003045799.2), dbSNP rs35317925, ClinGen allele CA8742195.

ClinVar aggregate classification (germline): Benign (0 of 4 stars; one submission).

Conditions:
SDK2-related disorder. Also called: SDK2-related condition.

Allele frequency attached by ClinVar (database versions not stated): 1000 Genomes Project 30x 0.00016.

Submission:

PreventionGenetics, part of Exact Sciences
Classification: Benign for SDK2-related condition. Last evaluated: 2019-04-15. Review status: no assertion criteria provided. Collection method: clinical testing. Allele origin: germline.
Comment: This variant is classified as benign based on ACMG/AMP sequence variant interpretation guidelines (Richards et al. 2015 PMID: 25741868, with internal and published modifications).